The following is an entry in ClinVar:

ClinVar aggregate classification (germline): Uncertain significance. Review status: criteria provided, multiple submitters, no conflicts (2 of 4 stars). 2 submissions from 2 submitters: Uncertain significance (2). Last evaluated 2026-04-08.

Conditions:
Familial cold autoinflammatory syndrome 2 (FCAS2). Identifiers: Orphanet 247868, MedGen C2673198, MONDO:0012724, OMIM 611762.

gnomAD v4.1: 2 of 1,613,988 alleles (0.00012%); highest among the groups gnomAD compares: Admixed American, 0.0017%; no homozygotes.

Submissions (2):

Clinical Genomics Laboratory, Washington University in St. Louis
Classification: Uncertain significance for Familial cold autoinflammatory syndrome 2. Last evaluated: 2026-04-08. Review status: criteria provided, single submitter. Criteria: ACMG Guidelines, 2015. Collection method: clinical testing. Allele origin: germline.
Comment: The NLRP12 c.2440G>C (p.Gly814Arg) variant, to our knowledge, has not been reported in the medical literature. This variant has been reported in the ClinVar database as a germline variant of uncertain significance by one submitter. This variant is only observed in 2/1,613,988 alleles in the general population (gnomAD v4.1.0), indicating it is not a common variant. Computational predictors suggest that the variant does not impact NLRP12 function. Due to limited information, and based on ACMG/AMP guidelines for variant interpretation (Richards S et al., PMID: 25741868), the clinical significance of this variant is uncertain at this time.

Labcorp Genetics (formerly Invitae), Labcorp
Classification: Uncertain significance for Familial cold autoinflammatory syndrome 2. Last evaluated: 2025-12-19. Review status: criteria provided, single submitter. Criteria: Invitae Variant Classification Sherloc (09022015). Collection method: clinical testing. Allele origin: germline.
Comment: This sequence change replaces glycine, which is neutral and non-polar, with arginine, which is basic and polar, at codon 814 of the NLRP12 protein (p.Gly814Arg). This variant is present in population databases (rs149903344, gnomAD 0.003%). This variant has not been reported in the literature in individuals affected with NLRP12-related conditions. ClinVar contains an entry for this variant (Variation ID: 1429325). Invitae Evidence Modeling of protein sequence and biophysical properties (such as structural, functional, and spatial information, amino acid conservation, physicochemical variation, residue mobility, and thermodynamic stability) indicates that this missense variant is not expected to disrupt NLRP12 protein function with a negative predictive value of 80%. In summary, the available evidence is currently insufficient to determine the role of this variant in disease. Therefore, it has been classified as a Variant of Uncertain Significance.

NM_144687.4(NLRP12):c.2440G>C (p.Gly814Arg)

Gene: NLRP12 (NLR family pyrin domain containing 12; minus strand). Cytogenetic location: 19q13.42.
Variant type: single nucleotide variant.
Coding change: c.2440G>C on transcript NM_144687.4 (MANE Select); coding-DNA position 2440, G replaced by C.
Protein change: p.Gly814Arg; replaces glycine 814 with arginine.
Molecular consequence: missense variant.
Genome position (GRCh38, 1-based): chr19:53,804,097, C>G on the plus strand (G>C on the coding strand, the complement: NLRP12 is on the minus strand). VCF-style: chr19-53804097-C-G. GRCh37 (hg19) VCF-style: chr19-54307351-C-G.
Other names: c.2443G>C, p.Gly815Arg (NM_001277126.2); c.2440G>C, p.Gly814Arg (NM_001277129.1); short protein forms G814R, G815R.
Identifiers: ClinVar variation 1429325 (VCV001429325.9), dbSNP rs149903344, ClinGen allele CA9639071.
Genomic context (GRCh38, chr19:53,804,097, plus strand): 5'-GGTCCAACTCAACCAGATGTGGGTTGGTGCCGAGCACAGAAGCCATCTCCTGACAAGCCC[C>G]GGACTCCAGCTGACACTTCCTCAACCTTGGGAGGAAGGAGAGGTTGAAGGGGACGCCATC-3'
Protein context (NP_653288.1, residues 804-824): IQLRKCQLES[Gly814Arg]ACQEMASVLG